The following is an entry in ClinVar:

NM_017999.5(RNF31):c.1766G>C (p.Gly589Ala)

Gene: RNF31 (ring finger protein 31; plus strand). Cytogenetic location: 14q12.
Variant type: single nucleotide variant.
Coding change: c.1766G>C on transcript NM_017999.5 (MANE Select); coding-DNA position 1766, G replaced by C.
Protein change: p.Gly589Ala; replaces glycine 589 with alanine.
Molecular consequence: missense variant.
Genome position (GRCh38, 1-based): chr14:24,151,513, G>C. VCF-style: chr14-24151513-G-C. GRCh37 (hg19) VCF-style: chr14-24620722-G-C.
Other names: c.1313G>C, p.Gly438Ala (NM_001310332.2); short protein forms G589A, G438A.
Identifiers: ClinVar variation 3701526 (VCV003701526.2).

ClinVar aggregate classification (germline): Uncertain significance (1 of 4 stars; one submission).

gnomAD v4.1: 1 of 1,614,182 alleles (0.000062%); no homozygotes.

Submission:

Labcorp Genetics (formerly Invitae), Labcorp
Classification: Uncertain significance. Last evaluated: 2024-03-25. Review status: criteria provided, single submitter. Criteria: Invitae Variant Classification Sherloc (09022015). Collection method: clinical testing. Allele origin: germline.
Comment: This sequence change replaces glycine, which is neutral and non-polar, with alanine, which is neutral and non-polar, at codon 589 of the RNF31 protein (p.Gly589Ala). This variant is not present in population databases (gnomAD no frequency). This variant has not been reported in the literature in individuals affected with RNF31-related conditions. An algorithm developed to predict the effect of missense changes on protein structure and function (PolyPhen-2) suggests that this variant is likely to be tolerated. In summary, the available evidence is currently insufficient to determine the role of this variant in disease. Therefore, it has been classified as a Variant of Uncertain Significance.